The following is an entry in ClinVar:

ClinVar aggregate classification (germline): Likely pathogenic. Review status: reviewed by expert panel (3 of 4 stars). 2 submissions from 2 submitters: Likely pathogenic (1). 1 of the submissions does not count toward it. Last evaluated 2026-04-15.

Conditions:
Phenylketonuria (PKU). Also called: OLIGOPHRENIA PHENYLPYRUVICA; Phenylketonurias; Phenylketonuria (PKU); FOLLING DISEASE. Identifiers: Orphanet 716, MedGen C0031485, MONDO:0009861, OMIM 261600. Disease mechanism: loss of function.

Allele frequency attached by ClinVar (database versions not stated): gnomAD 0.00001; TOPMed below 0.00001.
gnomAD v4.1: 2 of 1,613,886 alleles (0.00012%); highest among the groups gnomAD compares: South Asian, 0.0022%; no homozygotes.

Submissions (2):

ClinGen PAH Variant Curation Expert Panel
Classification: Likely pathogenic for Phenylketonuria. Last evaluated: 2026-04-15. Review status: reviewed by expert panel. Criteria: ClinGen PAH ACMG Specifications PAH V2.0.0. Collection method: curation. Allele origin: germline. Inheritance: Autosomal recessive inheritance.
Comment: The c.557C>T variant in PAH is a missense variant predicted to cause substitution of threonine by isoleucine at amino acid 186 (p.Thr186Ile). At least one patient with this variant displayed plasma phenylalanine concentration persistently above 120umol/L (2mg/dL), which is highly specific for PAH deficiency; PAH VCEP Expert consensus is that BH4 deficiency was sufficiently excluded (PP4_Moderate, PMID: 30459323). This individual was compound heterozygous for the variant and a pathogenic variant (0.5 PM3 points, PM3_supporting). The allele frequency in gnomAD v4.1.0 is 0.000001239, which is lower than the ClinGen PAH Variant Curation Expert Panel threshold (<0.0002) for PM2_Supporting, meeting this criterion (PM2_Supporting). The computational predictor REVEL gives a score of 0.87, which is above the threshold of 0.773 but below 0.932, evidence that correlates with moderate impact to PAH function (PP3_Moderate). In summary, this variant meets the criteria to be classified as Like;y pathogenic for autosomal recessive PAH deficiency based on the ACMG/AMP criteria applied, as specified by the ClinGen PAH Variant Curation Expert Panel: PP3_moderate, PP4_moderate, PM2_supporting, PM3_supporting (PAH VCEP specifications version 2.0.0; approved July 16, 2024).

Labcorp Genetics (formerly Invitae), Labcorp
Classification: Pathogenic for Phenylketonuria. Last evaluated: 2023-11-27. Review status: criteria provided, single submitter. Criteria: Invitae Variant Classification Sherloc (09022015). Collection method: clinical testing. Allele origin: germline. Not counted in ClinVar's aggregate classification.
Comment: This sequence change replaces threonine, which is neutral and polar, with isoleucine, which is neutral and non-polar, at codon 186 of the PAH protein (p.Thr186Ile). This variant is not present in population databases (gnomAD no frequency). This missense change has been observed in individual(s) with hyperphenylalaninemia (PMID: 30459323). ClinVar contains an entry for this variant (Variation ID: 1504560). Advanced modeling of protein sequence and biophysical properties (such as structural, functional, and spatial information, amino acid conservation, physicochemical variation, residue mobility, and thermodynamic stability) performed at Invitae indicates that this missense variant is expected to disrupt PAH protein function with a positive predictive value of 80%. This variant disrupts the p.Thr186 amino acid residue in PAH. Other variant(s) that disrupt this residue have been determined to be pathogenic (Invitae). This suggests that this residue is clinically significant, and that variants that disrupt this residue are likely to be disease-causing. For these reasons, this variant has been classified as Pathogenic.

Literature cited by the submitters: PubMed 30459323 (cited by Labcorp Genetics (formerly Invitae), Labcorp).

NM_000277.3(PAH):c.557C>T (p.Thr186Ile)

Gene: PAH (phenylalanine hydroxylase; minus strand). Cytogenetic location: 12q23.2.
Variant type: single nucleotide variant.
Coding change: c.557C>T on transcript NM_000277.3 (MANE Select); coding-DNA position 557, C replaced by T.
Protein change: p.Thr186Ile; replaces threonine 186 with isoleucine.
Molecular consequence: missense variant.
Genome position (GRCh38, 1-based): chr12:102,855,285, G>A on the plus strand (C>T on the coding strand, the complement: PAH is on the minus strand). VCF-style: chr12-102855285-G-A. GRCh37 (hg19) VCF-style: chr12-103249063-G-A.
Other names: NM_001354304.2:c.557C>T; c.557C>T, p.Thr186Ile (NM_001354304.2); short protein forms T186I.
Identifiers: ClinVar variation 1504560 (VCV001504560.9), dbSNP rs1875371404, ClinGen allele CA386296861.